The following is an entry in ClinVar:

ClinVar aggregate classification (germline): Uncertain significance. Review status: criteria provided, multiple submitters, no conflicts (2 of 4 stars). 3 submissions from 3 submitters: Uncertain significance (3). Last evaluated 2025-09-10.

Conditions:
Cardiovascular phenotype. Identifiers: MedGen CN230736.
Arrhythmogenic right ventricular dysplasia 8 (ARVD8). Also called: ARRHYTHMOGENIC RIGHT VENTRICULAR DYSPLASIA, FAMILIAL, 8; ARRHYTHMOGENIC RIGHT VENTRICULAR CARDIOMYOPATHY 8; Arrhythmogenic Right Ventricular Dysplasia/Cardiomyopathy 8. Identifiers: MedGen C1843896, MONDO:0011831, OMIM 607450.
Arrhythmogenic cardiomyopathy with wooly hair and keratoderma. Also called: PALMOPLANTAR KERATODERMA WITH LEFT VENTRICULAR CARDIOMYOPATHY AND WOOLLY HAIR; Carvajal syndrome; Dilated cardiomyopathy with woolly hair and keratoderma; Arrhythmogenic cardiomyopathy with woolly hair and keratoderma. Identifiers: Orphanet 65282, MedGen C1854063, MONDO:0011581, OMIM 605676.

Allele frequency attached by ClinVar (database versions not stated): TOPMed below 0.00001.
gnomAD v4.1: 1 of 1,613,632 alleles (0.000062%); no homozygotes.

Submissions (3):

Labcorp Genetics (formerly Invitae), Labcorp
Classification: Uncertain significance for Arrhythmogenic cardiomyopathy with wooly hair and keratoderma; Arrhythmogenic right ventricular dysplasia 8. Last evaluated: 2025-09-10. Review status: criteria provided, single submitter. Criteria: Invitae Variant Classification Sherloc (09022015). Collection method: clinical testing. Allele origin: germline.
Comment: This sequence change replaces arginine, which is basic and polar, with lysine, which is basic and polar, at codon 1175 of the DSP protein (p.Arg1175Lys). This variant is not present in population databases (gnomAD no frequency). This variant has not been reported in the literature in individuals affected with DSP-related conditions. ClinVar contains an entry for this variant (Variation ID: 1426331). An algorithm developed to predict the effect of missense changes on protein structure and function outputs the following: PolyPhen-2: "Benign". The lysine amino acid residue is found in multiple mammalian species, which suggests that this missense change does not adversely affect protein function. In summary, the available evidence is currently insufficient to determine the role of this variant in disease. Therefore, it has been classified as a Variant of Uncertain Significance.

Ambry Genetics
Classification: Uncertain significance for Cardiovascular phenotype. Last evaluated: 2025-06-25. Review status: criteria provided, single submitter. Criteria: Ambry Variant Classification Scheme 2023. Collection method: clinical testing. Allele origin: germline.

All of Us Research Program, National Institutes of Health
Classification: Uncertain significance for Arrhythmogenic cardiomyopathy with wooly hair and keratoderma. Last evaluated: 2024-05-30. Review status: criteria provided, single submitter. Criteria: ACMG Guidelines, 2015. Collection method: clinical testing. Allele origin: germline. Inheritance: Autosomal dominant inheritance. Observed: 5 variant alleles, 5 heterozygotes.
Comment: This missense variant replaces arginine with lysine at codon 1175 of the DSP protein. Computational prediction suggests that this variant may not impact protein structure and function (internally defined REVEL score threshold <= 0.5, PMID: 27666373). To our knowledge, functional studies have not been reported for this variant. This variant has not been reported in individuals affected with DSP-related disorders in the literature. This variant has not been identified in the general population by the Genome Aggregation Database (gnomAD). The available evidence is insufficient to determine the role of this variant in disease conclusively. Therefore, this variant is classified as a Variant of Uncertain Significance.

This study involves interpretation of variants in research participants for the purpose of population health screening. Participant phenotype was not available at the time of variant classification. Additional details can be found in publication PMID: 35346344, PMCID: PMC8962531

NM_004415.4(DSP):c.3524G>A (p.Arg1175Lys)

Gene: DSP (desmoplakin; plus strand). Cytogenetic location: 6p24.3.
Variant type: single nucleotide variant.
Coding change: c.3524G>A on transcript NM_004415.4 (MANE Select); coding-DNA position 3524, G replaced by A.
Protein change: p.Arg1175Lys; replaces arginine 1175 with lysine.
Molecular consequence: missense variant.
Genome position (GRCh38, 1-based): chr6:7,579,714, G>A. VCF-style: chr6-7579714-G-A. GRCh37 (hg19) VCF-style: chr6-7579947-G-A.
Other names: c.3524G>A, p.Arg1175Lys (NM_001008844.3, NM_001319034.2); c.3524G>A (NM_004415.2); short protein forms R1175K.
Identifiers: ClinVar variation 1426331 (VCV001426331.11), dbSNP rs1759357066, ClinGen allele CA362684260.